The following is an entry in ClinVar:

ClinVar aggregate classification (germline): Pathogenic (1 of 4 stars; one submission).

Conditions:
Chuvash polycythemia. Also called: POLYCYTHEMIA, VHL-DEPENDENT. Identifiers: Orphanet 238557, MedGen C1837915, MONDO:0009892, OMIM 263400.
Von Hippel-Lindau syndrome (VHLS). Also called: VHL syndrome; von Hippel–Lindau syndrome; Von Hippel-Lindau. Identifiers: Orphanet 892, MedGen C0019562, MONDO:0008667, OMIM 193300. Disease mechanism: loss of function.

Submission:

Labcorp Genetics (formerly Invitae), Labcorp
Classification: Pathogenic for Von Hippel-Lindau syndrome; Chuvash polycythemia. Last evaluated: 2025-08-09. Review status: criteria provided, single submitter. Criteria: Invitae Variant Classification Sherloc (09022015). Collection method: clinical testing. Allele origin: germline.
Comment: This sequence change replaces tryptophan, which is neutral and slightly polar, with cysteine, which is neutral and slightly polar, at codon 88 of the VHL protein (p.Trp88Cys). This variant is not present in population databases (gnomAD no frequency). This missense change has been observed in individuals with von Hippel-Lindau syndrome (VHL) (PMID: 10567493; internal data). ClinVar contains an entry for this variant (Variation ID: 580847). Invitae Evidence Modeling of protein sequence and biophysical properties (such as structural, functional, and spatial information, amino acid conservation, physicochemical variation, residue mobility, and thermodynamic stability) indicates that this missense variant is expected to disrupt VHL protein function with a positive predictive value of 95%. Experimental studies have shown that this missense change affects VHL function (PMID: 21715564). This variant disrupts the p.Trp88 amino acid residue in VHL. Other variant(s) that disrupt this residue have been determined to be pathogenic (PMID: 7728151, 10567493, 11309459, 17024664, 19996202, 27530247). This suggests that this residue is clinically significant, and that variants that disrupt this residue are likely to be disease-causing. For these reasons, this variant has been classified as Pathogenic.

Literature cited by the submitters: PubMed 10567493; PubMed 21715564; PubMed 7728151; PubMed 11309459; PubMed 17024664; PubMed 19996202; PubMed 27530247.

NM_000551.4(VHL):c.264G>C (p.Trp88Cys)

Gene: VHL (von Hippel-Lindau tumor suppressor; plus strand). Cytogenetic location: 3p25.3.
Variant type: single nucleotide variant.
Coding change: c.264G>C on transcript NM_000551.4 (MANE Select); coding-DNA position 264, G replaced by C.
Protein change: p.Trp88Cys; replaces tryptophan 88 with cysteine.
Molecular consequence: missense variant.
Genome position (GRCh38, 1-based): chr3:10,142,111, G>C. VCF-style: chr3-10142111-G-C. GRCh37 (hg19) VCF-style: chr3-10183795-G-C.
Other names: c.264G>C, p.Trp88Cys (NM_001354723.2, NM_198156.3); short protein forms W88C.
Identifiers: ClinVar variation 580847 (VCV000580847.9), dbSNP rs869025622, ClinGen allele CA351750678.